The following is an entry in ClinVar:

NM_001386140.1(MTTP):c.619-1G>C

Gene: MTTP (microsomal triglyceride transfer protein; plus strand). Cytogenetic location: 4q23.
Variant type: single nucleotide variant.
Coding change: c.619-1G>C on transcript NM_001386140.1 (MANE Select); the canonical splice acceptor site of the intron before coding-DNA position 619, G replaced by C.
Molecular consequence: splice acceptor variant.
Genome position (GRCh38, 1-based): chr4:99,591,650, G>C. VCF-style: chr4-99591650-G-C. GRCh37 (hg19) VCF-style: chr4-100512807-G-C.
Other names: c.619-1G>C (NM_000253.3, NM_000253.4); c.370-1G>C (NM_001300785.2).
Identifiers: ClinVar variation 1486711 (VCV001486711.8), dbSNP rs371577788, ClinGen allele CA3021908.

ClinVar aggregate classification (germline): Likely pathogenic. Review status: criteria provided, multiple submitters, no conflicts (2 of 4 stars). 3 submissions from 3 submitters: Likely pathogenic (3). Last evaluated 2024-05-23.

Conditions:
MTTP-related disorder. Also called: MTTP-related condition.
Abetalipoproteinaemia (ABL). Also called: MTP DEFICIENCY; Abetalipoproteinemia; Abetalipoproteinemia neuropathy; Apolipoprotein B deficiency; Congenital betalipoprotein deficiency syndrome. Identifiers: Orphanet 14, MedGen C0000744, MONDO:0008692, OMIM 200100, HP:0008181.

Allele frequency attached by ClinVar (database versions not stated): gnomAD exomes below 0.00001 and 0.00001; ExAC 0.00001; gnomAD 0.00001; TOPMed 0.00002; ESP Exome Variant Server 0.00008.
gnomAD v4.1: 16 of 1,610,916 alleles (0.00099%); highest among the groups gnomAD compares: Non-Finnish European, 0.0014%; no homozygotes.

Submissions (3):

Blueprint Genetics
Classification: Likely pathogenic for MTTP-related disorders. Last evaluated: 2024-05-23. Review status: criteria provided, single submitter. Criteria: ACMG Guidelines, 2015. Collection method: clinical testing. Allele origin: germline. Affected: yes. Observed: 3 variant alleles.

Natera, Inc.
Classification: Likely pathogenic for Abetalipoproteinemia. Last evaluated: 2024-03-27. Review status: criteria provided, single submitter. Criteria: Natera Variant Classification Schema (03/2026). Collection method: clinical testing. Allele origin: germline.
Comment: The c.619-1G>C variant in MTTP is a canonical splice acceptor site variant predicted to affect pre-mRNA splicing, which may result in an abnormal transcript and altered protein product. This variant is expected to result in nonsense mediated decay, truncation, or a dysfunctional protein product. This variant is rare in the general population with a frequency below the threshold expected for the associated phenotype(s). Given the available evidence, this variant is classified as Likely Pathogenic.

Labcorp Genetics (formerly Invitae), Labcorp
Classification: Likely pathogenic. Last evaluated: 2023-10-22. Review status: criteria provided, single submitter. Criteria: Invitae Variant Classification Sherloc (09022015). Collection method: clinical testing. Allele origin: germline.
Comment: This sequence change affects an acceptor splice site in intron 6 of the MTTP gene. It is expected to disrupt RNA splicing. Variants that disrupt the donor or acceptor splice site typically lead to a loss of protein function (PMID: 16199547), and loss-of-function variants in MTTP are known to be pathogenic (PMID: 8533758, 9671739). This variant is present in population databases (rs371577788, gnomAD 0.002%). This variant has not been reported in the literature in individuals affected with MTTP-related conditions. ClinVar contains an entry for this variant (Variation ID: 1486711). Algorithms developed to predict the effect of sequence changes on RNA splicing suggest that this variant may disrupt the consensus splice site. In summary, the currently available evidence indicates that the variant is pathogenic, but additional data are needed to prove that conclusively. Therefore, this variant has been classified as Likely Pathogenic.

Literature cited by the submitters: PubMed 16199547 (cited by Labcorp Genetics (formerly Invitae), Labcorp); PubMed 8533758 (cited by Labcorp Genetics (formerly Invitae), Labcorp); PubMed 9671739 (cited by Labcorp Genetics (formerly Invitae), Labcorp).